The following is an entry in ClinVar:

ClinVar aggregate classification (germline): Uncertain significance (1 of 4 stars; one submission).

Conditions:
Migraine, familial hemiplegic, 3. Identifiers: Orphanet 569, MedGen C1864987, MONDO:0012320, OMIM 609634.

Submission:

MVZ Medizinische Genetik Mainz
Classification: Uncertain significance for Migraine, familial hemiplegic, 3. Last evaluated: 2025-05-23. Review status: criteria provided, single submitter. Criteria: UK Practice Guidelines For Variant Classification V4 01 2020. Collection method: clinical testing. Allele origin: germline. Inheritance: Autosomal dominant inheritance. Affected: yes. Observed: 1 variant allele.
Comment: ACMG Criteria: PP3_MOD,PM2_SUP

NM_001165963.4(SCN1A):c.5072A>C (p.Asn1691Thr)

Genes: SCN1A (sodium voltage-gated channel alpha subunit 1; minus strand), LOC102724058 (uncharacterized LOC102724058; plus strand). Cytogenetic location: 2q24.3.
Variant type: single nucleotide variant.
Coding change: c.5072A>C on transcript NM_001165963.4 (MANE Select); coding-DNA position 5072, A replaced by C.
Protein change: p.Asn1691Thr; replaces asparagine 1691 with threonine.
Molecular consequence: missense variant. On other transcripts: non-coding transcript variant (1).
Genome position (GRCh38, 1-based): chr2:165,992,203, T>G on the plus strand (A>C on the coding strand, the complement: SCN1A is on the minus strand). VCF-style: chr2-165992203-T-G. GRCh37 (hg19) VCF-style: chr2-166848713-T-G.
Other names: c.4988A>C, p.Asn1663Thr (NM_001165964.3, NM_001353957.2, NM_001353958.2); c.5072A>C, p.Asn1691Thr (NM_001202435.3, NM_001353948.2); c.5039A>C, p.Asn1680Thr (NM_006920.6, NM_001353949.2, NM_001353950.2 and 2 more transcripts); c.5036A>C, p.Asn1679Thr (NM_001353954.2, NM_001353955.2); c.4985A>C, p.Asn1662Thr (NM_001353960.2); c.2630A>C, p.Asn877Thr (NM_001353961.2); short protein forms N1662T, N1663T, N1679T, N1680T, N1691T, N877T.
Identifiers: ClinVar variation 3907694 (VCV003907694.1).